The following is an entry in ClinVar:

ClinVar aggregate classification (germline): Benign/Likely benign. Review status: criteria provided, multiple submitters, no conflicts (2 of 4 stars). 11 submissions from 10 submitters: Benign (2); Likely benign (8). 1 of the submissions does not count toward it. Last evaluated 2026-04-01.

Conditions:
HSPG2-related disorder. Also called: HSPG2-related condition; HSPG2-related disorders.
Lethal Kniest-like syndrome (DDSH). Also called: Dyssegmental Dysplasia. Identifiers: Orphanet 1865, MedGen C1857100, MONDO:0009140, OMIM 224410.
Schwartz-Jampel syndrome. Also called: Myotonic myopathy dwarfism chondrodystrophy and ocular and facial abnormalities. Identifiers: Orphanet 800, MedGen C0036391, MONDO:0009717.

Allele frequency attached by ClinVar (database versions not stated): 1000 Genomes Project 30x 0.00047; 1000 Genomes Project 0.00060; gnomAD 0.00276 and 0.00305; TOPMed 0.00280; gnomAD exomes 0.00315; ESP Exome Variant Server 0.00338; ExAC 0.00346.
gnomAD v4.1: 7,068 of 1,614,092 alleles (0.44%); highest among the groups gnomAD compares: Non-Finnish European, 0.52%; 17 homozygotes.

Submissions (11):

CeGaT Center for Human Genetics Tuebingen
Classification: Likely benign. Last evaluated: 2026-04-01. Review status: criteria provided, single submitter. Criteria: CeGaT Center For Human Genetics Tuebingen Variant Classification Criteria Version 2. Collection method: clinical testing. Allele origin: germline. Affected: yes. Observed: 10 variant alleles.
Comment: HSPG2: BP4, BS2

Labcorp Genetics (formerly Invitae), Labcorp
Classification: Benign. Last evaluated: 2026-01-27. Review status: criteria provided, single submitter. Criteria: Invitae Variant Classification Sherloc (09022015). Collection method: clinical testing. Allele origin: germline.

ARUP Laboratories, Molecular Genetics and Genomics, ARUP Laboratories
Classification: Likely benign. Last evaluated: 2025-04-17. Review status: criteria provided, single submitter. Criteria: ARUP Molecular Germline Variant Investigation Process 2024. Collection method: clinical testing. Allele origin: germline.

Blueprint Genetics
Classification: Likely benign. Last evaluated: 2024-11-19. Review status: criteria provided, single submitter. Criteria: ACMG Guidelines, 2015. Collection method: clinical testing. Allele origin: germline.

GeneDx
Classification: Likely benign. Last evaluated: 2021-08-01. Review status: criteria provided, single submitter. Criteria: GeneDx Variant Classification Process June 2021. Collection method: clinical testing. Allele origin: germline. Affected: yes.

Athena Diagnostics
Classification: Benign. Last evaluated: 2018-04-27. Review status: criteria provided, single submitter. Criteria: Athena Diagnostics Criteria. Collection method: clinical testing. Allele origin: germline.

Illumina Laboratory Services, Illumina
Classification: Likely benign for Schwartz-Jampel syndrome type 1. Last evaluated: 2018-01-12. Review status: criteria provided, single submitter. Criteria: ICSL Variant Classification Criteria 13 December 2019. Collection method: clinical testing. Allele origin: germline.
Comment: This variant was observed in the ICSL laboratory as part of a predisposition screen in an ostensibly healthy population. It had not been previously curated by ICSL or reported in the Human Gene Mutation Database (HGMD: prior to June 1st, 2018), and was therefore a candidate for classification through an automated scoring system. Utilizing variant allele frequency, disease prevalence and penetrance estimates, and inheritance mode, an automated score was calculated to assess if this variant is too frequent to cause the disease. Based on the score and internal cut-off values, a variant classified as likely benign is not then subjected to further curation. The score for this variant resulted in a classification of likely benign for this disease.

Illumina Laboratory Services, Illumina
Classification: Likely benign for Lethal Kniest-like syndrome. Last evaluated: 2018-01-12. Review status: criteria provided, single submitter. Criteria: ICSL Variant Classification Criteria 13 December 2019. Collection method: clinical testing. Allele origin: germline.
Comment: the same text as in the submission from Illumina Laboratory Services, Illumina above.

Eurofins Ntd Llc (ga)
Classification: Likely benign. Last evaluated: 2015-04-22. Review status: criteria provided, single submitter. Criteria: EGL Classification Definitions 2015. Collection method: clinical testing. Allele origin: germline. Observed: 1 variant allele, 1 heterozygote.

Breakthrough Genomics
Classification: Likely benign. Review status: criteria provided, single submitter. Criteria: ACMG Guidelines, 2015. Collection method: not provided. Allele origin: germline. Inheritance: Autosomal recessive inheritance. Affected: yes.

PreventionGenetics, part of Exact Sciences
Classification: Likely benign for HSPG2-related condition. Last evaluated: 2022-05-16. Review status: no assertion criteria provided. Collection method: clinical testing. Allele origin: germline. Not counted in ClinVar's aggregate classification.
Comment: This variant is classified as likely benign based on ACMG/AMP sequence variant interpretation guidelines (Richards et al. 2015 PMID: 25741868, with internal and published modifications).

NM_005529.7(HSPG2):c.10937G>A (p.Arg3646His)

Gene: HSPG2 (heparan sulfate proteoglycan 2; minus strand). Cytogenetic location: 1p36.12.
Variant type: single nucleotide variant.
Coding change: c.10937G>A on transcript NM_005529.7 (MANE Select); coding-DNA position 10937, G replaced by A.
Protein change: p.Arg3646His; replaces arginine 3646 with histidine.
Molecular consequence: missense variant.
Genome position (GRCh38, 1-based): chr1:21,833,508, C>T on the plus strand (G>A on the coding strand, the complement: HSPG2 is on the minus strand). VCF-style: chr1-21833508-C-T. GRCh37 (hg19) VCF-style: chr1-22160001-C-T.
Other names: c.10940G>A, p.Arg3647His (NM_001291860.2); short protein forms R3646H, R3647H.
Identifiers: ClinVar variation 198680 (VCV000198680.69), dbSNP rs112062179, ClinGen allele CA203552.